The following is an entry in ClinVar:

NM_001204.7(BMPR2):c.1472G>T (p.Arg491Leu)

Gene: BMPR2 (bone morphogenetic protein receptor type 2; plus strand). Cytogenetic location: 2q33.2.
Variant type: single nucleotide variant.
Coding change: c.1472G>T on transcript NM_001204.7 (MANE Select); coding-DNA position 1472, G replaced by T.
Protein change: p.Arg491Leu; replaces arginine 491 with leucine.
Molecular consequence: missense variant.
Genome position (GRCh38, 1-based): chr2:202,552,774, G>T. VCF-style: chr2-202552774-G-T. GRCh37 (hg19) VCF-style: chr2-203417497-G-T.
Other names: short protein forms R491L.
Identifiers: ClinVar variation 1067745 (VCV001067745.9), dbSNP rs137852749, ClinGen allele CA350344573.

ClinVar aggregate classification (germline): Pathogenic (1 of 4 stars; one submission).

Conditions:
Primary pulmonary hypertension. Also called: Idiopathic pulmonary hypertension. Identifiers: MedGen C0152171.

Submission:

Labcorp Genetics (formerly Invitae), Labcorp
Classification: Pathogenic for Primary pulmonary hypertension. Last evaluated: 2023-09-20. Review status: criteria provided, single submitter. Criteria: Invitae Variant Classification Sherloc (09022015). Collection method: clinical testing. Allele origin: germline.
Comment: This sequence change replaces arginine, which is basic and polar, with leucine, which is neutral and non-polar, at codon 491 of the BMPR2 protein (p.Arg491Leu). For these reasons, this variant has been classified as Pathogenic. This variant disrupts the p.Arg491 amino acid residue in BMPR2. Other variant(s) that disrupt this residue have been determined to be pathogenic (PMID: 10903931, 12045205, 28388887, 31727138). This suggests that this residue is clinically significant, and that variants that disrupt this residue are likely to be disease-causing. Advanced modeling of protein sequence and biophysical properties (such as structural, functional, and spatial information, amino acid conservation, physicochemical variation, residue mobility, and thermodynamic stability) performed at Invitae indicates that this missense variant is expected to disrupt BMPR2 protein function. ClinVar contains an entry for this variant (Variation ID: 1067745). This missense change has been observed in individual(s) with pulmonary arterial hypertension (Invitae). In at least one individual the variant was observed to be de novo. This variant is not present in population databases (gnomAD no frequency).

Literature cited by the submitters: PubMed 10903931; PubMed 12045205; PubMed 28388887; PubMed 31727138.